The following is an entry in ClinVar:

ClinVar aggregate classification (germline): Uncertain significance (1 of 4 stars; one submission).

Conditions:
Arrhythmogenic right ventricular dysplasia 5. Also called: Arrhythmogenic Right Ventricular Dysplasia/Cardiomyopathy 5; ARRHYTHMOGENIC RIGHT VENTRICULAR DYSPLASIA, FAMILIAL, 5. Identifiers: MedGen C1858379, MONDO:0011459, OMIM 604400.

Allele frequency attached by ClinVar (database versions not stated): gnomAD exomes below 0.00001.
gnomAD v4.1: 2 of 1,611,036 alleles (0.00012%); highest among the groups gnomAD compares: African/African-American, 0.0013%; no homozygotes.

Submission:

Labcorp Genetics (formerly Invitae), Labcorp
Classification: Uncertain significance for Arrhythmogenic right ventricular dysplasia 5. Last evaluated: 2025-03-17. Review status: criteria provided, single submitter. Criteria: Invitae Variant Classification Sherloc (09022015). Collection method: clinical testing. Allele origin: germline.
Comment: This sequence change falls in intron 9 of the TMEM43 gene. It does not directly change the encoded amino acid sequence of the TMEM43 protein. It affects a nucleotide within the consensus splice site. This variant is not present in population databases (gnomAD no frequency). This variant has not been reported in the literature in individuals affected with TMEM43-related conditions. ClinVar contains an entry for this variant (Variation ID: 1992736). Variants that disrupt the consensus splice site are a relatively common cause of aberrant splicing (PMID: 17576681, 9536098). Algorithms developed to predict the effect of sequence changes on RNA splicing suggest that this variant is not likely to affect RNA splicing. In summary, the available evidence is currently insufficient to determine the role of this variant in disease. Therefore, it has been classified as a Variant of Uncertain Significance.

Literature cited by the submitters: PubMed 17576681; PubMed 9536098.

NM_024334.3(TMEM43):c.780+5C>A

Gene: TMEM43 (transmembrane protein 43; plus strand). Cytogenetic location: 3p25.1.
Variant type: single nucleotide variant.
Coding change: c.780+5C>A on transcript NM_024334.3 (MANE Select); 5 bases into the intron after coding-DNA position 780, C replaced by A.
Molecular consequence: intron variant.
Genome position (GRCh38, 1-based): chr3:14,135,237, C>A. VCF-style: chr3-14135237-C-A. GRCh37 (hg19) VCF-style: chr3-14176737-C-A.
Identifiers: ClinVar variation 1992736 (VCV001992736.4), dbSNP rs1284879473, ClinGen allele CA2580068574.